The following is an entry in ClinVar:

ClinVar aggregate classification (germline): Uncertain significance (1 of 4 stars; one submission).

Conditions:
Congenital myasthenic syndrome 20. Also called: Myasthenic syndrome, congenital, 20, presynaptic. Identifiers: MedGen C4310694, MONDO:0014939, OMIM 617143.
Neuronopathy, distal hereditary motor, type 7A. Also called: Neuronopathy, distal hereditary motor, type viia; HARPER-YOUNG MYOPATHY; HMN VIIA; SPINAL MUSCULAR ATROPHY, DISTAL, WITH VOCAL CORD PARALYSIS; NEURONOPATHY, DISTAL HEREDITARY MOTOR, HARDING TYPE VIIA; NEUROPATHY, DISTAL HEREDITARY MOTOR, HARDING TYPE VIIA. Identifiers: Orphanet 139589, MedGen C1834703, MONDO:0008024, OMIM 158580.

Submission:

Labcorp Genetics (formerly Invitae), Labcorp
Classification: Uncertain significance for Neuronopathy, distal hereditary motor, type 7A; Congenital myasthenic syndrome 20. Last evaluated: 2025-10-01. Review status: criteria provided, single submitter. Criteria: Invitae Variant Classification Sherloc (09022015). Collection method: clinical testing. Allele origin: germline.
Comment: This sequence change replaces valine, which is neutral and non-polar, with methionine, which is neutral and non-polar, at codon 402 of the SLC5A7 protein (p.Val402Met). This variant is not present in population databases (gnomAD no frequency). This variant has not been reported in the literature in individuals affected with SLC5A7-related conditions. ClinVar contains an entry for this variant (Variation ID: 2088628). Invitae Evidence Modeling of protein sequence and biophysical properties (such as structural, functional, and spatial information, amino acid conservation, physicochemical variation, residue mobility, and thermodynamic stability) indicates that this missense variant is expected to disrupt SLC5A7 protein function with a positive predictive value of 80%. In summary, the available evidence is currently insufficient to determine the role of this variant in disease. Therefore, it has been classified as a Variant of Uncertain Significance.

NM_021815.5(SLC5A7):c.1204G>A (p.Val402Met)

Gene: SLC5A7 (solute carrier family 5 member 7; plus strand). Cytogenetic location: 2q12.3.
Variant type: single nucleotide variant.
Coding change: c.1204G>A on transcript NM_021815.5 (MANE Select); coding-DNA position 1204, G replaced by A.
Protein change: p.Val402Met; replaces valine 402 with methionine.
Molecular consequence: missense variant.
Genome position (GRCh38, 1-based): chr2:108,010,322, G>A. VCF-style: chr2-108010322-G-A. GRCh37 (hg19) VCF-style: chr2-108626778-G-A.
Other names: c.1204G>A, p.Val402Met (NM_001305005.3); c.889G>A, p.Val297Met (NM_001305006.3); c.463G>A, p.Val155Met (NM_001305007.3); short protein forms V402M, V297M, V155M.
Identifiers: ClinVar variation 2088628 (VCV002088628.4), dbSNP rs2467132028, ClinGen allele CA348114066.